The following is an entry in ClinVar:

ClinVar aggregate classification (germline): Uncertain significance (1 of 4 stars; one submission).

Allele frequency attached by ClinVar (database versions not stated): gnomAD exomes below 0.00001; TOPMed below 0.00001.
gnomAD v4.1: 3 of 1,613,474 alleles (0.00019%); highest among the groups gnomAD compares: Non-Finnish European, 0.00025%; no homozygotes.

Submission:

Labcorp Genetics (formerly Invitae), Labcorp
Classification: Uncertain significance. Last evaluated: 2023-06-03. Review status: criteria provided, single submitter. Criteria: Invitae Variant Classification Sherloc (09022015). Collection method: clinical testing. Allele origin: germline.
Comment: In summary, the available evidence is currently insufficient to determine the role of this variant in disease. Therefore, it has been classified as a Variant of Uncertain Significance. Advanced modeling of protein sequence and biophysical properties (such as structural, functional, and spatial information, amino acid conservation, physicochemical variation, residue mobility, and thermodynamic stability) performed at Invitae indicates that this missense variant is expected to disrupt CHD8 protein function. This missense change has been observed in individual(s) with autism spectrum disorder (PMID: 31311581). This variant is present in population databases (no rsID available, gnomAD 0.0009%). This sequence change replaces arginine, which is basic and polar, with cysteine, which is neutral and slightly polar, at codon 1443 of the CHD8 protein (p.Arg1443Cys).

Literature cited by the submitters: PubMed 31311581.

NM_001170629.2(CHD8):c.4327C>T (p.Arg1443Cys)

Gene: CHD8 (chromodomain helicase DNA binding protein 8; minus strand). Cytogenetic location: 14q11.2.
Variant type: single nucleotide variant.
Coding change: c.4327C>T on transcript NM_001170629.2 (MANE Select); coding-DNA position 4327, C replaced by T.
Protein change: p.Arg1443Cys; replaces arginine 1443 with cysteine.
Molecular consequence: missense variant.
Genome position (GRCh38, 1-based): chr14:21,400,918, G>A on the plus strand (C>T on the coding strand, the complement: CHD8 is on the minus strand). VCF-style: chr14-21400918-G-A. GRCh37 (hg19) VCF-style: chr14-21869077-G-A.
Other names: c.3490C>T, p.Arg1164Cys (NM_020920.4); short protein forms R1164C, R1443C.
Identifiers: ClinVar variation 2738079 (VCV002738079.3), dbSNP rs1316039715, ClinGen allele CA388894874.